The following is an entry in ClinVar:

NM_016013.4(NDUFAF1):c.2T>C (p.Met1Thr)

Gene: NDUFAF1 (NADH:ubiquinone oxidoreductase complex assembly factor 1; minus strand). Cytogenetic location: 15q15.1.
Variant type: single nucleotide variant.
Coding change: c.2T>C on transcript NM_016013.4 (MANE Select); coding-DNA position 2, T replaced by C.
Protein change: p.Met1Thr; changes the start codon (methionine 1).
Molecular consequence: missense variant, initiator codon variant. On other transcripts: non-coding transcript variant (1).
Genome position (GRCh38, 1-based): chr15:41,397,058, A>G on the plus strand (T>C on the coding strand, the complement: NDUFAF1 is on the minus strand). VCF-style: chr15-41397058-A-G. GRCh37 (hg19) VCF-style: chr15-41689256-A-G.
Other names: p.M1T:ATG>ACG; short protein forms M1T.
Identifiers: ClinVar variation 214732 (VCV000214732.3), dbSNP rs863224089, ClinGen allele CA323874.

ClinVar aggregate classification (germline): Pathogenic (1 of 4 stars; one submission).

Allele frequency attached by ClinVar (database versions not stated): gnomAD exomes 0.00002; gnomAD 0.00003; TOPMed 0.00003.

Submission:

GeneDx
Classification: Pathogenic. Last evaluated: 2014-07-31. Review status: criteria provided, single submitter. Criteria: GeneDx Variant Classification (06012015). Collection method: clinical testing. Allele origin: germline. Affected: yes.
Comment: p.Met1? (ATG>?): c.2 T>C in exon 2 of the NDUFAF1 gene (NM_016013.2). A c.2 T>C mutation in the NDUFAF1 gene has not been published as a mutation, nor has it been reported as a benign polymorphism to our knowledge. Mutations in the NDUFAF1 gene are associated with the autosomal recessive disorder mitochondrial complex I deficiency. The c.2 T>C mutation alters the initiator Methionine codon, and the resultant protein would be described as p.Met1?" using a question mark to signify that it is not known if the loss of Met1 means that all protein translation is completely prevented or if an abnormal protein is produced using an alternate Met. Therefore, c.2 T>C is expected to be a pathogenic mutation. The variant is found in MITONUC-MITOP panel(s)."